The following is an entry in ClinVar:

ClinVar aggregate classification (germline): Uncertain significance. Review status: criteria provided, multiple submitters, no conflicts (2 of 4 stars). 2 submissions from 2 submitters: Uncertain significance (2). Last evaluated 2022-06-30.

Conditions:
Aicardi-Goutieres syndrome 6 (AGS6). Identifiers: Orphanet 51, MedGen C3539013, MONDO:0014007, OMIM 615010.
Symmetrical dyschromatosis of extremities (DSH). Also called: DYSCHROMATOSIS SYMMETRICA HEREDITARIA 1; RETICULATE ACROPIGMENTATION OF DOHI; SYMMETRIC DYSCHROMATOSIS OF THE EXTREMITIES; Dyschromatosis symmetrica hereditaria. Identifiers: Orphanet 41, MedGen C0406775, MONDO:0007483, OMIM 127400.

gnomAD v4.1: 1 of 1,614,104 alleles (0.000062%); highest among the groups gnomAD compares: South Asian, 0.0011%; no homozygotes.

Submissions (2):

Labcorp Genetics (formerly Invitae), Labcorp
Classification: Uncertain significance for Aicardi-Goutieres syndrome 6; Symmetrical dyschromatosis of extremities. Last evaluated: 2022-06-30. Review status: criteria provided, single submitter. Criteria: Invitae Variant Classification Sherloc (09022015). Collection method: clinical testing. Allele origin: germline.
Comment: This variant is not present in population databases (gnomAD no frequency). In summary, the available evidence is currently insufficient to determine the role of this variant in disease. Therefore, it has been classified as a Variant of Uncertain Significance. Algorithms developed to predict the effect of missense changes on protein structure and function (SIFT, PolyPhen-2, Align-GVGD) all suggest that this variant is likely to be tolerated. This variant has not been reported in the literature in individuals affected with ADAR-related conditions. This sequence change replaces methionine, which is neutral and non-polar, with isoleucine, which is neutral and non-polar, at codon 881 of the ADAR protein (p.Met881Ile).

Blueprint Genetics
Classification: Uncertain significance. Last evaluated: 2020-06-05. Review status: criteria provided, single submitter. Criteria: ACMG Guidelines, 2015. Collection method: clinical testing. Allele origin: germline.

NM_001111.5(ADAR):c.2643G>C (p.Met881Ile)

Genes: ADAR (adenosine deaminase RNA specific; minus strand), LOC126805874 (CDK7 strongly-dependent group 2 enhancer GRCh37_chr1:154561176-154562375; plus strand). Cytogenetic location: 1q21.3.
Variant type: single nucleotide variant.
Coding change: c.2643G>C on transcript NM_001111.5 (MANE Select); coding-DNA position 2643, G replaced by C.
Protein change: p.Met881Ile; replaces methionine 881 with isoleucine.
Molecular consequence: missense variant.
Genome position (GRCh38, 1-based): chr1:154,589,782, C>G on the plus strand (G>C on the coding strand, the complement: ADAR is on the minus strand). VCF-style: chr1-154589782-C-G. GRCh37 (hg19) VCF-style: chr1-154562258-C-G.
Other names: c.1758G>C, p.Met586Ile (NM_001025107.3, NM_001193495.2, NM_001365046.1 and 2 more transcripts); c.2670G>C, p.Met890Ile (NM_001365045.1); c.1680G>C, p.Met560Ile (NM_001365049.1); c.2565G>C, p.Met855Ile (NM_015840.4); c.2508G>C, p.Met836Ile (NM_015841.4); short protein forms M560I, M836I, M890I, M881I, M586I, M855I.
Identifiers: ClinVar variation 2123252 (VCV002123252.5), dbSNP rs2526512769, ClinGen allele CA342636792.